The following is an entry in ClinVar:

ClinVar aggregate classification (germline): Uncertain significance. Review status: criteria provided, multiple submitters, no conflicts (2 of 4 stars). 2 submissions from 2 submitters: Uncertain significance (2). Last evaluated 2025-07-14.

Conditions:
Autoimmune interstitial lung disease-arthritis syndrome. Also called: Autoinflammation and autoimmunity, systemic, with immune dysregulation. Identifiers: Orphanet 444092, MedGen C5975714, MONDO:0014629.

Allele frequency attached by ClinVar (database versions not stated): TOPMed 0.00002; 1000 Genomes Project 30x 0.00016.

Submissions (2):

Labcorp Genetics (formerly Invitae), Labcorp
Classification: Uncertain significance for Autoimmune interstitial lung disease-arthritis syndrome. Last evaluated: 2025-07-14. Review status: criteria provided, single submitter. Criteria: Invitae Variant Classification Sherloc (09022015). Collection method: clinical testing. Allele origin: germline.
Comment: This sequence change replaces arginine, which is basic and polar, with tryptophan, which is neutral and slightly polar, at codon 941 of the COPA protein (p.Arg941Trp). This variant is present in population databases (rs200318072, gnomAD 0.006%). This variant has not been reported in the literature in individuals affected with COPA-related conditions. ClinVar contains an entry for this variant (Variation ID: 2427927). An algorithm developed to predict the effect of missense changes on protein structure and function (PolyPhen-2) suggests that this variant is likely to be disruptive. In summary, the available evidence is currently insufficient to determine the role of this variant in disease. Therefore, it has been classified as a Variant of Uncertain Significance.

Neuberg Centre For Genomic Medicine, NCGM
Classification: Uncertain significance for Autoinflammation and autoimmunity with immune dysregulation 1. Review status: criteria provided, single submitter. Criteria: ACMG Guidelines, 2015. Collection method: clinical testing. Allele origin: germline. Inheritance: Autosomal dominant inheritance. Affected: yes.
Comment: The observed missense variant c.2821C>T(p.Arg941Trp) in the COPA gene has not been reported previously as a pathogenic variant nor as a benign variant, to our knowledge. This variant has been reported to the ClinVar database as Uncertain Significance. However, no details are available for independent assessment. This variant is reported with the allele frequency 0.002% in the gnomAD Exomes. The amino acid Arg at position 941 is changed to a Trp changing protein sequence and it might alter its composition and physico-chemical properties. Multiple lines of computational evidence (Polyphen - Damaging, SIFT - Damaging and MutationTaster - Disease causing) predict a damaging effect on protein structure and function for this variant. The residue is conserved by GERP++ and PhyloP across 100 vertebrates. For these reasons, this variant has been classified as Uncertain Significance.

NM_004371.4(COPA):c.2821C>T (p.Arg941Trp)

Gene: COPA (coat protein complex I subunit alpha; minus strand). Cytogenetic location: 1q23.2.
Variant type: single nucleotide variant.
Coding change: c.2821C>T on transcript NM_004371.4 (MANE Select); coding-DNA position 2821, C replaced by T.
Protein change: p.Arg941Trp; replaces arginine 941 with tryptophan.
Molecular consequence: missense variant.
Genome position (GRCh38, 1-based): chr1:160,293,168, G>A on the plus strand (C>T on the coding strand, the complement: COPA is on the minus strand). VCF-style: chr1-160293168-G-A. GRCh37 (hg19) VCF-style: chr1-160262958-G-A.
Other names: c.2848C>T, p.Arg950Trp (NM_001098398.2); short protein forms R941W, R950W.
Identifiers: ClinVar variation 2427927 (VCV002427927.7), dbSNP rs200318072, ClinGen allele CA1197769.